The following is an entry in ClinVar:

ClinVar aggregate classification (germline): Conflicting classifications of pathogenicity. Review status: criteria provided, conflicting classifications (1 of 4 stars). 5 submissions from 5 submitters: Uncertain significance (3); Likely benign (2). Last evaluated 2025-09-05.

Conditions:
Hereditary cancer-predisposing syndrome. Also called: Hereditary neoplastic syndrome; Tumor predisposition; Neoplastic Syndromes, Hereditary; Hereditary Cancer Syndrome. Identifiers: Orphanet 140162, MedGen C0027672, MeSH D009386, MONDO:0015356.
Hereditary breast ovarian cancer syndrome. Also called: Breast and ovarian cancer; Hereditary breast and ovarian cancer syndrome; Hereditary breast and ovarian cancer; Hereditary breast and/or ovarian cancer syndrome; Hereditary breast and ovarian cancer syndrome (HBOC); BRCA1- and BRCA2-Associated Hereditary Breast and Ovarian Cancer. Identifiers: Orphanet 145, MedGen C0677776, MeSH D061325, MONDO:0003582. Disease mechanism: loss of function.
Breast-ovarian cancer, familial, susceptibility to, 2 (BROVCA2). Also called: BRCA2 Hereditary Breast and Ovarian Cancer. Identifiers: Orphanet 145, MedGen C2675520, MONDO:0012933, OMIM 612555. Disease mechanism: loss of function.

Allele frequency attached by ClinVar (database versions not stated): gnomAD exomes below 0.00001.
gnomAD v4.1: 1 of 1,614,092 alleles (0.000062%); highest among the groups gnomAD compares: South Asian, 0.0011%; no homozygotes.

Submissions (5):

Labcorp Genetics (formerly Invitae), Labcorp
Classification: Uncertain significance for Hereditary breast ovarian cancer syndrome. Last evaluated: 2025-09-05. Review status: criteria provided, single submitter. Criteria: Invitae Variant Classification Sherloc (09022015). Collection method: clinical testing. Allele origin: germline.
Comment: This sequence change replaces isoleucine, which is neutral and non-polar, with methionine, which is neutral and non-polar, at codon 2490 of the BRCA2 protein (p.Ile2490Met). This variant is not present in population databases (gnomAD no frequency). This missense change has been observed in individual(s) with breast/ovarian cancer (PMID: 30702160). ClinVar contains an entry for this variant (Variation ID: 379477). Invitae Evidence Modeling of protein sequence and biophysical properties (such as structural, functional, and spatial information, amino acid conservation, physicochemical variation, residue mobility, and thermodynamic stability) indicates that this missense variant is not expected to disrupt BRCA2 protein function with a negative predictive value of 95%. In summary, the available evidence is currently insufficient to determine the role of this variant in disease. Therefore, it has been classified as a Variant of Uncertain Significance.

Ambry Genetics
Classification: Likely benign for Hereditary cancer-predisposing syndrome. Last evaluated: 2025-04-18. Review status: criteria provided, single submitter. Criteria: Ambry Variant Classification Scheme 2023. Collection method: clinical testing. Allele origin: germline.

Quest Diagnostics Nichols Institute San Juan Capistrano
Classification: Uncertain significance. Last evaluated: 2024-12-02. Review status: criteria provided, single submitter. Criteria: Quest Diagnostics criteria. Collection method: clinical testing. Allele origin: unknown.
Comment: The BRCA2 c.7470A>G (p.Ile2490Met) variant has been reported in the published literature in individuals from a Chinese population study (PMID: 30702160 (2019)). This variant has not been reported in large, multi-ethnic general populations (Genome Aggregation Database). Analysis of this variant using bioinformatics tools for the prediction of the effect of amino acid changes on protein structure and function yielded predictions that this variant is benign. Based on the available information, we are unable to determine the clinical significance of this variant.

All of Us Research Program, National Institutes of Health
Classification: Uncertain significance for Breast-ovarian cancer, familial, susceptibility to, 2. Last evaluated: 2023-10-06. Review status: criteria provided, single submitter. Criteria: ACMG Guidelines, 2015. Collection method: clinical testing. Allele origin: germline. Inheritance: Autosomal dominant inheritance. Observed: 1 variant allele, 1 heterozygote.
Comment: This missense variant replaces isoleucine with methionine at codon 2490 of the BRCA2 protein. Computational prediction suggests that this variant may not impact protein structure and function (internally defined REVEL score threshold <= 0.5, PMID: 27666373). To our knowledge, functional studies have not been reported for this variant. This variant has not been reported in individuals affected with BRCA2-related disorders in the literature. This variant has not been identified in the general population by the Genome Aggregation Database (gnomAD). The available evidence is insufficient to determine the role of this variant in disease conclusively. Therefore, this variant is classified as a Variant of Uncertain Significance.

This study involves interpretation of variants in research participants for the purpose of population health screening. Participant phenotype was not available at the time of variant classification. Additional details can be found in publication PMID: 35346344, PMCID: PMC8962531

GeneDx
Classification: Likely benign. Last evaluated: 2015-04-03. Review status: criteria provided, single submitter. Criteria: GeneDx Variant Classification (06012015). Collection method: clinical testing. Allele origin: germline. Affected: yes.
Comment: This variant is considered likely benign or benign based on one or more of the following criteria: it is a conservative change, it occurs at a poorly conserved position in the protein, it is predicted to be benign by multiple in silico algorithms, and/or has population frequency not consistent with disease.

Literature cited by the submitters: PubMed 30702160 (cited by Labcorp Genetics (formerly Invitae), Labcorp and Quest Diagnostics Nichols Institute San Juan Capistrano).

NM_000059.4(BRCA2):c.7470A>G (p.Ile2490Met)

Gene: BRCA2 (BRCA2 DNA repair associated; plus strand). Cytogenetic location: 13q13.1.
Variant type: single nucleotide variant.
Coding change: c.7470A>G on transcript NM_000059.4 (MANE Select); coding-DNA position 7470, A replaced by G.
Protein change: p.Ile2490Met; replaces isoleucine 2490 with methionine.
Molecular consequence: missense variant.
Genome position (GRCh38, 1-based): chr13:32,356,462, A>G. VCF-style: chr13-32356462-A-G. GRCh37 (hg19) VCF-style: chr13-32930599-A-G.
Other names: short protein forms I2490M.
Identifiers: ClinVar variation 379477 (VCV000379477.18), dbSNP rs1057520611, ClinGen allele CA16606809.